The following is an entry in ClinVar:

ClinVar aggregate classification (germline): Uncertain significance. Review status: criteria provided, multiple submitters, no conflicts (2 of 4 stars). 2 submissions from 2 submitters: Uncertain significance (2). Last evaluated 2025-01-08.

Conditions:
Inborn genetic diseases. Identifiers: MedGen C0950123, MeSH D030342.

Allele frequency attached by ClinVar (database versions not stated): gnomAD exomes 0.00001 and 0.00003; ExAC 0.00005; ESP Exome Variant Server 0.00008; gnomAD 0.00010; TOPMed 0.00013; 1000 Genomes Project 30x 0.00016; 1000 Genomes Project 0.00020.
gnomAD v4.1: 36 of 1,610,596 alleles (0.0022%); highest among the groups gnomAD compares: African/African-American, 0.029%; no homozygotes.

Submissions (2):

Labcorp Genetics (formerly Invitae), Labcorp
Classification: Uncertain significance. Last evaluated: 2025-01-08. Review status: criteria provided, single submitter. Criteria: Invitae Variant Classification Sherloc (09022015). Collection method: clinical testing. Allele origin: germline.
Comment: This sequence change replaces glycine, which is neutral and non-polar, with alanine, which is neutral and non-polar, at codon 467 of the PRDM13 protein (p.Gly467Ala). This variant is present in population databases (rs370833791, gnomAD 0.04%). This variant has not been reported in the literature in individuals affected with PRDM13-related conditions. ClinVar contains an entry for this variant (Variation ID: 967092). An algorithm developed to predict the effect of missense changes on protein structure and function (PolyPhen-2) suggests that this variant is likely to be disruptive. In summary, the available evidence is currently insufficient to determine the role of this variant in disease. Therefore, it has been classified as a Variant of Uncertain Significance.

Ambry Genetics
Classification: Uncertain significance for Inborn genetic diseases. Last evaluated: 2022-07-19. Review status: criteria provided, single submitter. Criteria: Ambry Variant Classification Scheme 2023. Collection method: clinical testing. Allele origin: germline.

NM_021620.4(PRDM13):c.1400G>C (p.Gly467Ala)

Gene: PRDM13 (PR/SET domain 13; plus strand). Cytogenetic location: 6q16.2.
Variant type: single nucleotide variant.
Coding change: c.1400G>C on transcript NM_021620.4 (MANE Select); coding-DNA position 1400, G replaced by C.
Protein change: p.Gly467Ala; replaces glycine 467 with alanine.
Molecular consequence: missense variant.
Genome position (GRCh38, 1-based): chr6:99,614,035, G>C. VCF-style: chr6-99614035-G-C. GRCh37 (hg19) VCF-style: chr6-100061911-G-C.
Other names: short protein forms G467A.
Identifiers: ClinVar variation 967092 (VCV000967092.9), dbSNP rs370833791, ClinGen allele CA3936377.